The following is an entry in ClinVar:

NM_001080467.3(MYO5B):c.138G>C (p.Thr46=)

Gene: MYO5B (myosin VB; minus strand). Cytogenetic location: 18q21.1.
Variant type: single nucleotide variant.
Coding change: c.138G>C on transcript NM_001080467.3 (MANE Select); coding-DNA position 138, G replaced by C.
Protein change: p.Thr46=; no amino-acid change (threonine 46 retained).
Molecular consequence: synonymous variant.
Genome position (GRCh38, 1-based): chr18:50,055,268, C>G on the plus strand (G>C on the coding strand, the complement: MYO5B is on the minus strand). VCF-style: chr18-50055268-C-G. GRCh37 (hg19) VCF-style: chr18-47581638-C-G.
Identifiers: ClinVar variation 1467055 (VCV001467055.5), dbSNP rs201403876, ClinGen allele CA8962015.

ClinVar aggregate classification (germline): Uncertain significance (1 of 4 stars; one submission).

gnomAD v4.1: 19 of 1,400,834 alleles (0.0014%); highest among the groups gnomAD compares: East Asian, 0.0028%; no homozygotes.

Submission:

Labcorp Genetics (formerly Invitae), Labcorp
Classification: Uncertain significance. Last evaluated: 2021-10-31. Review status: criteria provided, single submitter. Criteria: Invitae Variant Classification Sherloc (09022015). Collection method: clinical testing. Allele origin: germline.
Comment: This variant has not been reported in the literature in individuals affected with MYO5B-related conditions. This variant is present in population databases (rs201403876, gnomAD 0.004%). This sequence change affects codon 46 of the MYO5B mRNA. It is a 'silent' change, meaning that it does not change the encoded amino acid sequence of the MYO5B protein. This variant also falls at the last nucleotide of exon 2, which is part of the consensus splice site for this exon. Variants that disrupt the consensus splice site are a relatively common cause of aberrant splicing (PMID: 17576681, 9536098). Algorithms developed to predict the effect of sequence changes on RNA splicing suggest that this variant may disrupt the consensus splice site. In summary, the available evidence is currently insufficient to determine the role of this variant in disease. Therefore, it has been classified as a Variant of Uncertain Significance.

Literature cited by the submitters: PubMed 17576681; PubMed 9536098.